The following is an entry in ClinVar:

ClinVar aggregate classification (germline): Uncertain significance. Review status: criteria provided, multiple submitters, no conflicts (2 of 4 stars). 2 submissions from 2 submitters: Uncertain significance (2). Last evaluated 2026-08-19.

Conditions:
Hereditary cancer-predisposing syndrome. Also called: Hereditary neoplastic syndrome; Neoplastic Syndromes, Hereditary; Tumor predisposition; Hereditary Cancer Syndrome. Identifiers: Orphanet 140162, MedGen C0027672, MeSH D009386, MONDO:0015356.
Tuberous sclerosis 1 (TSC1). Identifiers: Orphanet 805, MedGen C1854465, MONDO:0008612, OMIM 191100.

Submissions (2):

Ambry Genetics
Classification: Uncertain significance for Hereditary cancer-predisposing syndrome. Last evaluated: 2026-08-19. Review status: criteria provided, single submitter. Criteria: Ambry Variant Classification Scheme 2023. Collection method: clinical testing. Allele origin: germline.
Comment: The c.1334-20T>G intronic variant results from a T to G substitution 20 nucleotides upstream from coding exon 12 in the TSC1 gene. This nucleotide position is well conserved in available vertebrate species. In silico splice site analysis predicts that this alteration will result in the creation or strengthening of a novel splice acceptor site. RNA studies have demonstrated that this variant results in a splice defect; the clinical impact of this abnormal splicing is unknown at this time (Ambry internal data). Based on the available evidence, the clinical significance of this variant remains unclear.

Labcorp Genetics (formerly Invitae), Labcorp
Classification: Uncertain significance for Tuberous sclerosis 1. Last evaluated: 2022-09-06. Review status: criteria provided, single submitter. Criteria: Invitae Variant Classification Sherloc (09022015). Collection method: clinical testing. Allele origin: germline.
Comment: In summary, the available evidence is currently insufficient to determine the role of this variant in disease. Therefore, it has been classified as a Variant of Uncertain Significance. Algorithms developed to predict the effect of sequence changes on RNA splicing suggest that this variant may create or strengthen a splice site. This variant has not been reported in the literature in individuals affected with TSC1-related conditions. This variant is not present in population databases (gnomAD no frequency). This sequence change falls in intron 13 of the TSC1 gene. It does not directly change the encoded amino acid sequence of the TSC1 protein.

NM_000368.5(TSC1):c.1334-20T>G

Gene: TSC1 (TSC complex subunit 1; minus strand). Cytogenetic location: 9q34.13.
Variant type: single nucleotide variant.
Coding change: c.1334-20T>G on transcript NM_000368.5 (MANE Select); 20 bases into the intron before coding-DNA position 1334, T replaced by G.
Molecular consequence: intron variant.
Genome position (GRCh38, 1-based): chr9:132,906,855, A>C on the plus strand (T>G on the coding strand, the complement: TSC1 is on the minus strand). VCF-style: chr9-132906855-A-C. GRCh37 (hg19) VCF-style: chr9-135782242-A-C.
Other names: c.1334-20T>G (NM_000368.4); c.971-20T>G (NM_001362177.2); c.1181-20T>G (NM_001162427.2); c.1331-20T>G (NM_001162426.2).
Identifiers: ClinVar variation 2029151 (VCV002029151.5), dbSNP rs1373490108, ClinGen allele CA2580079974.